The following is an entry in ClinVar:

ClinVar aggregate classification (germline): Conflicting classifications of pathogenicity. Review status: criteria provided, conflicting classifications (1 of 4 stars). 6 submissions from 6 submitters: Uncertain significance (3); Likely benign (1). 2 of the submissions do not count toward it. Last evaluated 2026-01-19.

Conditions:
Inborn genetic diseases. Identifiers: MedGen C0950123, MeSH D030342.
GJB3-related disorder. Also called: GJB3-related condition.
Erythrokeratodermia variabilis et progressiva 1 (EKVP1). Also called: ERYTHROKERATODERMIA FIGURATA, CONGENITAL FAMILIAL, IN PLAQUES; ERYTHROKERATODERMIA VARIABILIS WITH ERYTHEMA GYRATUM REPENS; ERYTHROKERATODERMIA, PROGRESSIVE SYMMETRIC. Identifiers: Orphanet 317, MedGen C4551486, MONDO:0033010, OMIM 133200.

Allele frequency attached by ClinVar (database versions not stated): ExAC 0.00012; gnomAD exomes 0.00014 and 0.00042; ESP Exome Variant Server 0.00023; gnomAD 0.00034; TOPMed 0.00035.
gnomAD v4.1: 712 of 1,614,086 alleles (0.044%); highest among the groups gnomAD compares: Non-Finnish European, 0.053%; 1 homozygote.

Submissions (6):

Labcorp Genetics (formerly Invitae), Labcorp
Classification: Uncertain significance. Last evaluated: 2026-01-19. Review status: criteria provided, single submitter. Criteria: Invitae Variant Classification Sherloc (09022015). Collection method: clinical testing. Allele origin: germline.
Comment: This sequence change replaces arginine, which is basic and polar, with cysteine, which is neutral and slightly polar, at codon 75 of the GJB3 protein (p.Arg75Cys). This variant is present in population databases (rs370476720, gnomAD 0.02%). This variant has not been reported in the literature in individuals affected with GJB3-related conditions. ClinVar contains an entry for this variant (Variation ID: 297191). Invitae Evidence Modeling of protein sequence and biophysical properties (such as structural, functional, and spatial information, amino acid conservation, physicochemical variation, residue mobility, and thermodynamic stability) indicates that this missense variant is expected to disrupt GJB3 protein function with a positive predictive value of 80%. In summary, the available evidence is currently insufficient to determine the role of this variant in disease. Therefore, it has been classified as a Variant of Uncertain Significance.

GeneDx
Classification: Uncertain significance. Last evaluated: 2025-04-10. Review status: criteria provided, single submitter. Criteria: GeneDx Variant Classification Process June 2021. Collection method: clinical testing. Allele origin: germline. Affected: yes.
Comment: Maternally inherited variant in a patient with congenital anomalies of the kidney and urinary tract reported in the published literature (PMID: 35368817); In silico analysis supports that this missense variant has a deleterious effect on protein structure/function; This variant is associated with the following publications: (PMID: 35640668, 35368817)

Ambry Genetics
Classification: Uncertain significance for Inborn genetic diseases. Last evaluated: 2021-08-30. Review status: criteria provided, single submitter. Criteria: Ambry Variant Classification Scheme 2023. Collection method: clinical testing. Allele origin: germline.

Illumina Laboratory Services, Illumina
Classification: Likely benign for Erythrokeratodermia variabilis et progressiva 1. Last evaluated: 2017-04-27. Review status: criteria provided, single submitter. Criteria: ICSL Variant Classification Criteria 13 December 2019. Collection method: clinical testing. Allele origin: germline.
Comment: This variant was observed as part of a predisposition screen in an ostensibly healthy population. A literature search was performed for the gene, cDNA change, and amino acid change (where applicable). No publications were found based on this search. Allele frequency data from public databases allowed determination this variant is unlikely to cause disease. Therefore, this variant is classified as likely benign.

PreventionGenetics, part of Exact Sciences
Classification: Uncertain significance for GJB3-related condition. Last evaluated: 2023-12-07. Review status: no assertion criteria provided. Collection method: clinical testing. Allele origin: germline. Not counted in ClinVar's aggregate classification.
Comment: The GJB3 c.223C>T variant is predicted to result in the amino acid substitution p.Arg75Cys. To our knowledge, this variant has not been reported in the literature. This variant is reported in 0.026% of alleles in individuals of European (Non-Finnish) descent in gnomAD. At this time, the clinical significance of this variant is uncertain due to the absence of conclusive functional and genetic evidence.

Department of Pathology and Laboratory Medicine, Sinai Health System
Classification: Uncertain significance. Review status: no assertion criteria provided. Collection method: clinical testing. Allele origin: unknown. Affected: yes. Study: The Canadian Open Genetics Repository (COGR). Not counted in ClinVar's aggregate classification.
Comment: The GJB3 p.Arg75Cys variant was not identified in the literature. The variant was identified in dbSNP (ID: rs370476720) and ClinVar (classified as uncertain significance by GeneDx and as likely benign by Illumina). The variant was identified in control databases in 42 of 282762 chromosomes at a frequency of 0.0001485 (Genome Aggregation Database March 6, 2019, v2.1.1). The variant was observed in the following populations: European (non-Finnish) in 34 of 129116 chromosomes (freq: 0.000263), Other in 1 of 7222 chromosomes (freq: 0.000139), African in 3 of 24950 chromosomes (freq: 0.00012), Latino in 3 of 35430 chromosomes (freq: 0.000085) and South Asian in 1 of 30616 chromosomes (freq: 0.000033), but was not observed in the Ashkenazi Jewish, East Asian, or European (Finnish) populations. The p.Arg75 residue is conserved across mammals and other organisms, and computational analyses (PolyPhen-2, SIFT, AlignGVGD, BLOSUM, MutationTaster) suggest that the variant may impact the protein; however, this information is not predictive enough to assume pathogenicity. The variant occurs outside of the splicing consensus sequence and in silico or computational prediction software programs (SpliceSiteFinder, MaxEntScan, NNSPLICE, GeneSplicer) do not predict a difference in splicing. In summary, based on the above information the clinical significance of this variant cannot be determined with certainty at this time. This variant is classified as a variant of uncertain significance.

NM_024009.3(GJB3):c.223C>T (p.Arg75Cys)

Gene: GJB3 (gap junction protein beta 3; plus strand). Cytogenetic location: 1p34.3.
Variant type: single nucleotide variant.
Coding change: c.223C>T on transcript NM_024009.3 (MANE Select); coding-DNA position 223, C replaced by T.
Protein change: p.Arg75Cys; replaces arginine 75 with cysteine.
Molecular consequence: missense variant.
Genome position (GRCh38, 1-based): chr1:34,784,985, C>T. VCF-style: chr1-34784985-C-T. GRCh37 (hg19) VCF-style: chr1-35250586-C-T.
Other names: c.223C>T, p.Arg75Cys (NM_001005752.2); short protein forms R75C.
Identifiers: ClinVar variation 297191 (VCV000297191.20), dbSNP rs370476720, ClinGen allele CA754779.
Genomic context (GRCh38, chr1:34,784,985, plus strand): 5'-ACCAAGCAGCCCGGCTGCACCAACGTCTGCTACGACAACTACTTCCCCATCTCCAACATC[C>T]GCCTCTGGGCCCTGCAGCTCATCTTCGTCACATGCCCCTCGCTGCTGGTCATCCTGCACG-3'
Protein context (NP_076872.1, residues 65-85): YDNYFPISNI[Arg75Cys]LWALQLIFVT